The following is an entry in ClinVar:

ClinVar aggregate classification (germline): Uncertain significance (1 of 4 stars; one submission).

Conditions:
Hereditary cancer-predisposing syndrome. Also called: Neoplastic Syndromes, Hereditary; Tumor predisposition; Hereditary neoplastic syndrome; Hereditary Cancer Syndrome. Identifiers: Orphanet 140162, MedGen C0027672, MeSH D009386, MONDO:0015356.

Submission:

Ambry Genetics
Classification: Uncertain significance for Hereditary cancer-predisposing syndrome. Last evaluated: 2026-07-06. Review status: criteria provided, single submitter. Criteria: Ambry Variant Classification Scheme 2023. Collection method: clinical testing. Allele origin: germline.
Comment: The p.A260D variant (also known as c.779C>A), located in coding exon 3 of the PHOX2B gene, results from a C to A substitution at nucleotide position 779. The alanine at codon 260 is replaced by aspartic acid, an amino acid with dissimilar properties. This amino acid position is conserved. In addition, the in silico prediction for this alteration is inconclusive. Based on the available evidence, the clinical significance of this variant remains unclear.

NM_003924.4(PHOX2B):c.779C>A (p.Ala260Asp)

Gene: PHOX2B (paired like homeobox 2B; minus strand). Cytogenetic location: 4p13.
Variant type: single nucleotide variant.
Coding change: c.779C>A on transcript NM_003924.4 (MANE Select); coding-DNA position 779, C replaced by A.
Protein change: p.Ala260Asp; replaces alanine 260 with aspartic acid.
Molecular consequence: missense variant.
Genome position (GRCh38, 1-based): chr4:41,745,973, G>T on the plus strand (C>A on the coding strand, the complement: PHOX2B is on the minus strand). VCF-style: chr4-41745973-G-T. GRCh37 (hg19) VCF-style: chr4-41747990-G-T.
Other names: short protein forms A260D.
Identifiers: ClinVar variation 5026536 (VCV005026536.1).